The following is an entry in ClinVar:

ClinVar aggregate classification (germline): Uncertain significance (1 of 4 stars; one submission).

Submission:

GeneDx
Classification: Uncertain significance. Last evaluated: 2024-04-29. Review status: criteria provided, single submitter. Criteria: GeneDx Variant Classification Process June 2021. Collection method: clinical testing. Allele origin: germline. Affected: yes.
Comment: Not observed at significant frequency in large population cohorts (gnomAD); In silico analysis indicates that this missense variant does not alter protein structure/function; Has not been previously published as pathogenic or benign to our knowledge

NM_152296.5(ATP1A3):c.2545A>G (p.Met849Val)

Gene: ATP1A3 (ATPase Na+/K+ transporting subunit alpha 3; minus strand). Cytogenetic location: 19q13.2.
Variant type: single nucleotide variant.
Coding change: c.2545A>G on transcript NM_152296.5 (MANE Select); coding-DNA position 2545, A replaced by G.
Protein change: p.Met849Val; replaces methionine 849 with valine.
Molecular consequence: missense variant.
Genome position (GRCh38, 1-based): chr19:41,969,578, T>C on the plus strand (A>G on the coding strand, the complement: ATP1A3 is on the minus strand). VCF-style: chr19-41969578-T-C. GRCh37 (hg19) VCF-style: chr19-42473730-T-C.
Other names: c.2578A>G, p.Met860Val (NM_001256213.2); c.2584A>G, p.Met862Val (NM_001256214.2); short protein forms M849V, M860V, M862V.
Identifiers: ClinVar variation 3372914 (VCV003372914.1).